The following is an entry in ClinVar:

NM_032608.7(MYO18B):c.6902T>C (p.Leu2301Pro)

Gene: MYO18B (myosin XVIIIB; plus strand). Cytogenetic location: 22q12.1.
Variant type: single nucleotide variant.
Coding change: c.6902T>C on transcript NM_032608.7 (MANE Select); coding-DNA position 6902, T replaced by C.
Protein change: p.Leu2301Pro; replaces leucine 2301 with proline.
Molecular consequence: missense variant.
Genome position (GRCh38, 1-based): chr22:26,026,876, T>C. VCF-style: chr22-26026876-T-C. GRCh37 (hg19) VCF-style: chr22-26422842-T-C.
Other names: c.6905T>C, p.Leu2302Pro (NM_001318245.2); short protein forms L2301P, L2302P.
Identifiers: ClinVar variation 2108312 (VCV002108312.4), dbSNP rs1936284390, ClinGen allele CA411011340.

ClinVar aggregate classification (germline): Uncertain significance (1 of 4 stars; one submission).

Submission:

Labcorp Genetics (formerly Invitae), Labcorp
Classification: Uncertain significance. Last evaluated: 2022-03-10. Review status: criteria provided, single submitter. Criteria: Invitae Variant Classification Sherloc (09022015). Collection method: clinical testing. Allele origin: germline.
Comment: In summary, the available evidence is currently insufficient to determine the role of this variant in disease. Therefore, it has been classified as a Variant of Uncertain Significance. Algorithms developed to predict the effect of missense changes on protein structure and function output the following: SIFT: "Not Available"; PolyPhen-2: "Probably Damaging"; Align-GVGD: "Not Available". The proline amino acid residue is found in multiple mammalian species, which suggests that this missense change does not adversely affect protein function. This variant has not been reported in the literature in individuals affected with MYO18B-related conditions. This variant is not present in population databases (gnomAD no frequency). This sequence change replaces leucine, which is neutral and non-polar, with proline, which is neutral and non-polar, at codon 2301 of the MYO18B protein (p.Leu2301Pro).